The following is an entry in ClinVar:

ClinVar aggregate classification (germline): Uncertain significance (1 of 4 stars; one submission).

Allele frequency attached by ClinVar (database versions not stated): ExAC 0.00001.
gnomAD v4.1: 1 of 1,614,198 alleles (0.000062%); highest among the groups gnomAD compares: Non-Finnish European, 0.000085%; no homozygotes.

Submission:

Labcorp Genetics (formerly Invitae), Labcorp
Classification: Uncertain significance. Last evaluated: 2023-04-28. Review status: criteria provided, single submitter. Criteria: Invitae Variant Classification Sherloc (09022015). Collection method: clinical testing. Allele origin: germline.
Comment: This variant has not been reported in the literature in individuals affected with JAK1-related conditions. In summary, the available evidence is currently insufficient to determine the role of this variant in disease. Therefore, it has been classified as a Variant of Uncertain Significance. Advanced modeling of protein sequence and biophysical properties (such as structural, functional, and spatial information, amino acid conservation, physicochemical variation, residue mobility, and thermodynamic stability) performed at Invitae indicates that this missense variant is not expected to disrupt JAK1 protein function. This variant is present in population databases (rs750733172, gnomAD 0.004%). This sequence change replaces methionine, which is neutral and non-polar, with valine, which is neutral and non-polar, at codon 477 of the JAK1 protein (p.Met477Val).

NM_002227.4(JAK1):c.1429A>G (p.Met477Val)

Gene: JAK1 (Janus kinase 1; minus strand). Cytogenetic location: 1p31.3.
Variant type: single nucleotide variant.
Coding change: c.1429A>G on transcript NM_002227.4 (MANE Select); coding-DNA position 1429, A replaced by G.
Protein change: p.Met477Val; replaces methionine 477 with valine.
Molecular consequence: missense variant.
Genome position (GRCh38, 1-based): chr1:64,857,685, T>C on the plus strand (A>G on the coding strand, the complement: JAK1 is on the minus strand). VCF-style: chr1-64857685-T-C. GRCh37 (hg19) VCF-style: chr1-65323368-T-C.
Other names: c.1429A>G, p.Met477Val (NM_001320923.2, NM_001321852.2, NM_001321853.2 and 4 more transcripts); short protein forms M477V.
Identifiers: ClinVar variation 2860380 (VCV002860380.3), dbSNP rs750733172, ClinGen allele CA892941.
Genomic context (GRCh38, chr1:64,857,685, plus strand): 5'-TGGCCTGGTCCAAGCCAGTGTCCTGACTGACCTCAGACTTCTCAAAGCAGGTGACGGTCA[T>C]GAGGATGTTGTCAAAGTCGGTGCAGCTCCACCTCAGCACGTACATCCCCTCCTCGCTTCC-3'
Protein context (NP_002218.2, residues 467-487): WSCTDFDNIL[Met477Val]TVTCFEKSEQ